The following is an entry in ClinVar:

ClinVar aggregate classification (germline): Uncertain significance. Review status: criteria provided, multiple submitters, no conflicts (2 of 4 stars). 2 submissions from 2 submitters: Uncertain significance (2). Last evaluated 2022-02-22.

Allele frequency attached by ClinVar (database versions not stated): TOPMed below 0.00001; gnomAD 0.00001; gnomAD exomes 0.00002.
gnomAD v4.1: 23 of 1,613,840 alleles (0.0014%); highest among the groups gnomAD compares: Non-Finnish European, 0.0019%; no homozygotes.

Submissions (2):

Labcorp Genetics (formerly Invitae), Labcorp
Classification: Uncertain significance. Last evaluated: 2022-02-22. Review status: criteria provided, single submitter. Criteria: Invitae Variant Classification Sherloc (09022015). Collection method: clinical testing. Allele origin: germline.
Comment: This sequence change replaces glutamic acid, which is acidic and polar, with lysine, which is basic and polar, at codon 124 of the DGUOK protein (p.Glu124Lys). This variant is present in population databases (rs777559041, gnomAD 0.002%). This variant has not been reported in the literature in individuals affected with DGUOK-related conditions. ClinVar contains an entry for this variant (Variation ID: 501467). Algorithms developed to predict the effect of missense changes on protein structure and function are either unavailable or do not agree on the potential impact of this missense change (SIFT: "Tolerated"; PolyPhen-2: "Possibly Damaging"; Align-GVGD: "Class C0"). In summary, the available evidence is currently insufficient to determine the role of this variant in disease. Therefore, it has been classified as a Variant of Uncertain Significance.

Eurofins Ntd Llc (ga)
Classification: Uncertain significance. Last evaluated: 2017-04-14. Review status: criteria provided, single submitter. Criteria: EGL Classification Definitions 2015. Collection method: clinical testing. Allele origin: germline. Observed: 1 variant allele, 1 heterozygote.

NM_080916.3(DGUOK):c.370G>A (p.Glu124Lys)

Gene: DGUOK (deoxyguanosine kinase; plus strand). Cytogenetic location: 2p13.1.
Variant type: single nucleotide variant.
Coding change: c.370G>A on transcript NM_080916.3 (MANE Select); coding-DNA position 370, G replaced by A.
Protein change: p.Glu124Lys; replaces glutamic acid 124 with lysine.
Molecular consequence: missense variant. On other transcripts: non-coding transcript variant (5).
Genome position (GRCh38, 1-based): chr2:73,946,833, G>A. VCF-style: chr2-73946833-G-A. GRCh37 (hg19) VCF-style: chr2-74173960-G-A.
Other names: c.370G>A, p.Glu124Lys (NM_001318859.2, NM_080918.3); c.79G>A, p.Glu27Lys (NM_001318860.2, NM_001318861.2, NM_001318862.2 and 1 more transcripts); short protein forms E124K, E27K.
Identifiers: ClinVar variation 501467 (VCV000501467.6), dbSNP rs777559041, ClinGen allele CA1718243.
Genomic context (GRCh38, chr2:73,946,833, plus strand): 5'-GCACGATGGTCCTACACATTCCAGACATTTTCCTTTTTGAGCCGCCTGAAAGTACAGCTG[G>A]AGCCCTTCCCTGAGAAACTCTTACAGGCCAGGAAGCCAGTACAGATCTTTGAGAGGTCTG-3'
Protein context (NP_550438.1, residues 114-134): SFLSRLKVQL[Glu124Lys]PFPEKLLQAR